The following is an entry in ClinVar:

ClinVar aggregate classification (germline): Uncertain significance (1 of 4 stars; one submission).

Conditions:
Familial hemophagocytic lymphohistiocytosis 3 (FHL3). Also called: UNC13D-Related Familial Hemophagocytic Lymphohistiocytosis (UNC13D-fHLH). Identifiers: Orphanet 540, MedGen C1837174, MONDO:0012146, OMIM 608898.

gnomAD v4.1: 10 of 1,613,678 alleles (0.00062%); highest among the groups gnomAD compares: African/African-American, 0.0027%; no homozygotes.

Submission:

Labcorp Genetics (formerly Invitae), Labcorp
Classification: Uncertain significance for Familial hemophagocytic lymphohistiocytosis 3. Last evaluated: 2024-12-19. Review status: criteria provided, single submitter. Criteria: Invitae Variant Classification Sherloc (09022015). Collection method: clinical testing. Allele origin: germline.
Comment: This sequence change replaces leucine, which is neutral and non-polar, with isoleucine, which is neutral and non-polar, at codon 419 of the UNC13D protein (p.Leu419Ile). This variant is present in population databases (rs746314361, gnomAD 0.005%). This variant has not been reported in the literature in individuals affected with UNC13D-related conditions. ClinVar contains an entry for this variant (Variation ID: 1910347). Invitae Evidence Modeling of protein sequence and biophysical properties (such as structural, functional, and spatial information, amino acid conservation, physicochemical variation, residue mobility, and thermodynamic stability) indicates that this missense variant is not expected to disrupt UNC13D protein function with a negative predictive value of 80%. In summary, the available evidence is currently insufficient to determine the role of this variant in disease. Therefore, it has been classified as a Variant of Uncertain Significance.

NM_199242.3(UNC13D):c.1255C>A (p.Leu419Ile)

Gene: UNC13D (unc-13 homolog D; minus strand). Cytogenetic location: 17q25.1.
Variant type: single nucleotide variant.
Coding change: c.1255C>A on transcript NM_199242.3 (MANE Select); coding-DNA position 1255, C replaced by A.
Protein change: p.Leu419Ile; replaces leucine 419 with isoleucine.
Molecular consequence: missense variant.
Genome position (GRCh38, 1-based): chr17:75,836,615, G>T on the plus strand (C>A on the coding strand, the complement: UNC13D is on the minus strand). VCF-style: chr17-75836615-G-T. GRCh37 (hg19) VCF-style: chr17-73832696-G-T.
Other names: short protein forms L419I.
Identifiers: ClinVar variation 1910347 (VCV001910347.3), dbSNP rs746314361, ClinGen allele CA8773060.